The following is an entry in ClinVar:

ClinVar aggregate classification (germline): Pathogenic. Review status: criteria provided, multiple submitters, no conflicts (2 of 4 stars). 2 submissions from 2 submitters: Pathogenic (2). Last evaluated 2024-12-24.

Conditions:
Neurofibromatosis, type 1 (NF1). Also called: Peripheral type neurofibromatosis; VON RECKLINGHAUSEN DISEASE; NEUROFIBROMATOSIS, TYPE I, SOMATIC; Neurofibromatosis, type I. Identifiers: Orphanet 636, MedGen C0027831, MONDO:0018975, OMIM 162200. Disease mechanism: loss of function.

Submissions (2):

Quest Diagnostics Nichols Institute San Juan Capistrano
Classification: Pathogenic. Last evaluated: 2024-12-24. Review status: criteria provided, single submitter. Criteria: Quest Diagnostics criteria. Collection method: clinical testing. Allele origin: unknown.
Comment: The NF1 c.304del (p.Met102*) variant alters the translational reading frame of the NF1 mRNA and causes the premature termination of NF1 protein synthesis. This variant has not been reported in individuals with NF1-related conditions in the published literature. This variant has not been reported in large, multi-ethnic general populations (Genome Aggregation Database). This variant has been identified in at least one individual with clinical features associated with this gene (Quest laboratory internal data). Based on the available information, this variant is classified as pathogenic.

Labcorp Genetics (formerly Invitae), Labcorp
Classification: Pathogenic for Neurofibromatosis, type 1. Last evaluated: 2023-12-22. Review status: criteria provided, single submitter. Criteria: Invitae Variant Classification Sherloc (09022015). Collection method: clinical testing. Allele origin: germline.
Comment: This sequence change creates a premature translational stop signal (p.Met102*) in the NF1 gene. It is expected to result in an absent or disrupted protein product. Loss-of-function variants in NF1 are known to be pathogenic (PMID: 10712197, 23913538). This variant is not present in population databases (gnomAD no frequency). This variant has not been reported in the literature in individuals affected with NF1-related conditions. For these reasons, this variant has been classified as Pathogenic.

Literature cited by the submitters: PubMed 10712197 (cited by Labcorp Genetics (formerly Invitae), Labcorp); PubMed 23913538 (cited by Labcorp Genetics (formerly Invitae), Labcorp).

NM_001042492.3(NF1):c.304del (p.Thr101_Met102insTer)

Gene: NF1 (neurofibromin 1; plus strand). Cytogenetic location: 17q11.2.
Variant type: Deletion.
Coding change: c.304del on transcript NM_001042492.3 (MANE Select); coding-DNA position 304, one base deleted (A; older notation c.304delA).
Protein change: p.Thr101_Met102insTer.
Molecular consequence: nonsense. On other transcripts: frameshift variant (1).
Genome position (GRCh38, 1-based): chr17:31,163,201, A deleted; the last of 2 consecutive A bases (chr17:31,163,200-31,163,201); deleting either gives the same sequence. VCF-style (leftmost placement, unchanged base first): chr17-31163199-CA-C. GRCh37 (hg19) VCF-style: chr17-29490217-CA-C.
Other names: c.304delA, p.Met102Terfs (NM_000267.4); c.304del, p.Thr101_Met102insTer (NM_001128147.3).
Identifiers: ClinVar variation 2704941 (VCV002704941.4), dbSNP rs2544700193, ClinGen allele CA2697559755.